The following is an entry in ClinVar:

ClinVar aggregate classification (germline): Conflicting classifications of pathogenicity. Review status: criteria provided, conflicting classifications (1 of 4 stars). 3 submissions from 3 submitters: Uncertain significance (2); Likely benign (1). Last evaluated 2024-08-20.

Allele frequency attached by ClinVar (database versions not stated): ESP Exome Variant Server 0.00008; 1000 Genomes Project 30x 0.00016; 1000 Genomes Project 0.00020.
gnomAD v4.1: 11 of 1,614,048 alleles (0.00068%); highest among the groups gnomAD compares: African/African-American, 0.0067%; no homozygotes.

Submissions (3):

Labcorp Genetics (formerly Invitae), Labcorp
Classification: Likely benign. Last evaluated: 2024-08-20. Review status: criteria provided, single submitter. Criteria: Invitae Variant Classification Sherloc (09022015). Collection method: clinical testing. Allele origin: germline.

Blueprint Genetics
Classification: Uncertain significance. Last evaluated: 2024-08-08. Review status: criteria provided, single submitter. Criteria: ACMG Guidelines, 2015. Collection method: clinical testing. Allele origin: germline.

Women's Health and Genetics/Laboratory Corporation of America, LabCorp
Classification: Uncertain significance. Last evaluated: 2024-08-07. Review status: criteria provided, single submitter. Criteria: LabCorp Variant Classification Summary - May 2015. Collection method: clinical testing. Allele origin: germline.
Comment: Variant summary: ADGRV1 c.15769A>G (p.Ile5257Val) results in a conservative amino acid change in the encoded protein sequence. Five of five in-silico tools predict a benign effect of the variant on protein function. The variant allele was found at a frequency of 4e-06 in 248634 control chromosomes. The available data on variant occurrences in the general population are insufficient to allow any conclusion about variant significance. To our knowledge, no occurrence of c.15769A>G in individuals affected with ADGRV1-Related Disorders and no experimental evidence demonstrating its impact on protein function have been reported. ClinVar contains an entry for this variant (Variation ID: 1052673). Based on the evidence outlined above, the variant was classified as uncertain significance.

NM_032119.4(ADGRV1):c.15769A>G (p.Ile5257Val)

Gene: ADGRV1 (adhesion G protein-coupled receptor V1; plus strand). Cytogenetic location: 5q14.3.
Variant type: single nucleotide variant.
Coding change: c.15769A>G on transcript NM_032119.4 (MANE Select); coding-DNA position 15769, A replaced by G.
Protein change: p.Ile5257Val; replaces isoleucine 5257 with valine.
Molecular consequence: missense variant. On other transcripts: non-coding transcript variant (1).
Genome position (GRCh38, 1-based): chr5:90,811,029, A>G. VCF-style: chr5-90811029-A-G. GRCh37 (hg19) VCF-style: chr5-90106846-A-G.
Other names: short protein forms I5257V.
Identifiers: ClinVar variation 1052673 (VCV001052673.11), dbSNP rs184829061, ClinGen allele CA3341977.
Genomic context (GRCh38, chr5:90,811,029, plus strand): 5'-ACATTCAACACTGCAGAAGTTCTTATCCGAAGAACTGGTGGGTTTACTGGCAATGTCAGC[A>G]TAACAGTTAAAACTTTCGGTGAAAGATGTGCTCAGATGGAACCAAATGCATTGCCCTTTC-3'
Protein context (NP_115495.3, residues 5247-5267): RTGGFTGNVS[Ile5257Val]TVKTFGERCA